The following is an entry in ClinVar:

NM_001164665.2(KIAA1549):c.1314G>A (p.Met438Ile)

Gene: KIAA1549 (KIAA1549; minus strand). Cytogenetic location: 7q34.
Variant type: single nucleotide variant.
Coding change: c.1314G>A on transcript NM_001164665.2 (MANE Select); coding-DNA position 1314, G replaced by A.
Protein change: p.Met438Ile; replaces methionine 438 with isoleucine.
Molecular consequence: missense variant.
Genome position (GRCh38, 1-based): chr7:138,918,312, C>T on the plus strand (G>A on the coding strand, the complement: KIAA1549 is on the minus strand). VCF-style: chr7-138918312-C-T. GRCh37 (hg19) VCF-style: chr7-138603058-C-T.
Other names: c.1314G>A, p.Met438Ile (NM_020910.3); short protein forms M438I.
Identifiers: ClinVar variation 838157 (VCV000838157.8), dbSNP rs759007729, ClinGen allele CA4506755.

ClinVar aggregate classification (germline): Uncertain significance. Review status: criteria provided, multiple submitters, no conflicts (2 of 4 stars). 2 submissions from 2 submitters: Uncertain significance (2). Last evaluated 2022-08-06.

Allele frequency attached by ClinVar (database versions not stated): TOPMed 0.00001; gnomAD exomes 0.00003 and 0.00006; ExAC 0.00011.
gnomAD v4.1: 17 of 1,614,046 alleles (0.0011%); highest among the groups gnomAD compares: Admixed American, 0.025%; no homozygotes.

Submissions (2):

Labcorp Genetics (formerly Invitae), Labcorp
Classification: Uncertain significance. Last evaluated: 2022-08-06. Review status: criteria provided, single submitter. Criteria: Invitae Variant Classification Sherloc (09022015). Collection method: clinical testing. Allele origin: germline.
Comment: This sequence change replaces methionine, which is neutral and non-polar, with isoleucine, which is neutral and non-polar, at codon 438 of the KIAA1549 protein (p.Met438Ile). This variant is present in population databases (rs759007729, gnomAD 0.03%). This variant has not been reported in the literature in individuals affected with KIAA1549-related conditions. ClinVar contains an entry for this variant (Variation ID: 838157). Algorithms developed to predict the effect of missense changes on protein structure and function output the following: SIFT: "Tolerated"; PolyPhen-2: "Benign"; Align-GVGD: "Class C0". The isoleucine amino acid residue is found in multiple mammalian species, which suggests that this missense change does not adversely affect protein function. In summary, the available evidence is currently insufficient to determine the role of this variant in disease. Therefore, it has been classified as a Variant of Uncertain Significance.

Blueprint Genetics
Classification: Uncertain significance. Last evaluated: 2021-11-15. Review status: criteria provided, single submitter. Criteria: ACMG Guidelines, 2015. Collection method: clinical testing. Allele origin: germline.